The following is an entry in ClinVar:

NM_003000.3(SDHB):c.357C>T (p.Thr119=)

Gene: SDHB (succinate dehydrogenase complex iron sulfur subunit B; minus strand). Cytogenetic location: 1p36.13.
Variant type: single nucleotide variant.
Coding change: c.357C>T on transcript NM_003000.3 (MANE Select); coding-DNA position 357, C replaced by T.
Protein change: p.Thr119=; no amino-acid change (threonine 119 retained).
Molecular consequence: synonymous variant.
Genome position (GRCh38, 1-based): chr1:17,028,666, G>A on the plus strand (C>T on the coding strand, the complement: SDHB is on the minus strand). VCF-style: chr1-17028666-G-A. GRCh37 (hg19) VCF-style: chr1-17355161-G-A.
Identifiers: ClinVar variation 459144 (VCV000459144.10), dbSNP rs1553177749, ClinGen allele CA416087806.

ClinVar aggregate classification (germline): Benign/Likely benign. Review status: criteria provided, multiple submitters, no conflicts (2 of 4 stars). 3 submissions from 3 submitters: Benign (1); Likely benign (2). Last evaluated 2025-03-12.

Conditions:
Hereditary cancer-predisposing syndrome. Also called: Tumor predisposition; Hereditary neoplastic syndrome; Neoplastic Syndromes, Hereditary; Hereditary Cancer Syndrome. Identifiers: Orphanet 140162, MedGen C0027672, MeSH D009386, MONDO:0015356.
Pheochromocytoma/paraganglioma syndrome 4. Also called: SDHB-Related Hereditary Paraganglioma-Pheochromocytoma Syndrome (Paragangliomas 4); CAROTID BODY TUMORS AND MULTIPLE EXTRAADRENAL PHEOCHROMOCYTOMAS; PARAGANGLIOMA, FAMILIAL MALIGNANT; PARAGANGLIOMAS, HEREDITARY EXTRAADRENAL; SDHB-Related Hereditary Paraganglioma-Pheochromocytoma Syndrome; PHEOCHROMOCYTOMA, FAMILIAL EXTRAADRENAL. Identifiers: Orphanet 29072, MedGen C1861848, MONDO:0007273, OMIM 115310.
Pheochromocytoma. Also called: MAX-Related Hereditary Paraganglioma-Pheochromocytoma Syndrome. Identifiers: Orphanet 29072, MedGen C0031511, MONDO:0008233, OMIM 171300, HP:0002666.
Gastrointestinal stromal tumor. Also called: Gastrointestinal stroma tumor; Gastrointestinal stromal tumor, somatic. Identifiers: Orphanet 44890, MedGen C0238198, MeSH D046152, MONDO:0011719, OMIM 606764, HP:0100723.

Allele frequency attached by ClinVar (database versions not stated): gnomAD exomes below 0.00001.
gnomAD v4.1: 1 of 1,614,058 alleles (0.000062%); highest among the groups gnomAD compares: Non-Finnish European, 0.000085%; no homozygotes.

Submissions (3):

Myriad Genetics, Inc.
Classification: Benign for Pheochromocytoma/paraganglioma syndrome 4. Last evaluated: 2025-03-12. Review status: criteria provided, single submitter. Criteria: Myriad Autosomal Dominant, Autosomal Recessive and X-Linked Classification Criteria (2023). Collection method: clinical testing. Allele origin: unknown.
Comment: This variant is considered benign. This variant is a silent/synonymous amino acid change and it is not expected to impact splicing.

Labcorp Genetics (formerly Invitae), Labcorp
Classification: Likely benign for Gastrointestinal stromal tumor; Pheochromocytoma/paraganglioma syndrome 4; Pheochromocytoma. Last evaluated: 2024-03-15. Review status: criteria provided, single submitter. Criteria: Invitae Variant Classification Sherloc (09022015). Collection method: clinical testing. Allele origin: germline.

Ambry Genetics
Classification: Likely benign for Hereditary cancer-predisposing syndrome. Last evaluated: 2020-01-08. Review status: criteria provided, single submitter. Criteria: Ambry Variant Classification Scheme 2023. Collection method: clinical testing. Allele origin: germline.